The following is an entry in ClinVar:

NM_001365999.1(SZT2):c.7324C>T (p.Arg2442Cys)

Gene: SZT2 (SZT2 subunit of KICSTOR complex; plus strand). Cytogenetic location: 1p34.2.
Variant type: single nucleotide variant.
Coding change: c.7324C>T on transcript NM_001365999.1 (MANE Select); coding-DNA position 7324, C replaced by T.
Protein change: p.Arg2442Cys; replaces arginine 2442 with cysteine.
Molecular consequence: missense variant.
Genome position (GRCh38, 1-based): chr1:43,440,566, C>T. VCF-style: chr1-43440566-C-T. GRCh37 (hg19) VCF-style: chr1-43906237-C-T.
Other names: c.7153C>T, p.Arg2385Cys (NM_015284.4); short protein forms R2385C, R2442C.
Identifiers: ClinVar variation 1476875 (VCV001476875.6), dbSNP rs756051473, ClinGen allele CA810190.

ClinVar aggregate classification (germline): Uncertain significance (1 of 4 stars; one submission).

Allele frequency attached by ClinVar (database versions not stated): ExAC 0.00001; gnomAD 0.00001; gnomAD exomes 0.00001 and 0.00002; TOPMed 0.00001.
gnomAD v4.1: 17 of 1,602,366 alleles (0.0011%); highest among the groups gnomAD compares: African/African-American, 0.0027%; no homozygotes.

Submission:

Labcorp Genetics (formerly Invitae), Labcorp
Classification: Uncertain significance. Last evaluated: 2023-07-07. Review status: criteria provided, single submitter. Criteria: Invitae Variant Classification Sherloc (09022015). Collection method: clinical testing. Allele origin: germline.
Comment: This variant is present in population databases (rs756051473, gnomAD 0.004%). This sequence change replaces arginine, which is basic and polar, with cysteine, which is neutral and slightly polar, at codon 2385 of the SZT2 protein (p.Arg2385Cys). This variant has not been reported in the literature in individuals affected with SZT2-related conditions. In summary, the available evidence is currently insufficient to determine the role of this variant in disease. Therefore, it has been classified as a Variant of Uncertain Significance. Algorithms developed to predict the effect of sequence changes on RNA splicing suggest that this variant may disrupt the consensus splice site. Advanced modeling of protein sequence and biophysical properties (such as structural, functional, and spatial information, amino acid conservation, physicochemical variation, residue mobility, and thermodynamic stability) performed at Invitae indicates that this missense variant is expected to disrupt SZT2 protein function. ClinVar contains an entry for this variant (Variation ID: 1476875).